The following is an entry in ClinVar:

NM_014714.4(IFT140):c.3770T>C (p.Leu1257Pro)

Gene: IFT140 (intraflagellar transport 140; minus strand). Cytogenetic location: 16p13.3.
Variant type: single nucleotide variant.
Coding change: c.3770T>C on transcript NM_014714.4 (MANE Select); coding-DNA position 3770, T replaced by C.
Protein change: p.Leu1257Pro; replaces leucine 1257 with proline.
Molecular consequence: missense variant.
Genome position (GRCh38, 1-based): chr16:1,520,234, A>G on the plus strand (T>C on the coding strand, the complement: IFT140 is on the minus strand). VCF-style: chr16-1520234-A-G. GRCh37 (hg19) VCF-style: chr16-1570235-A-G.
Other names: short protein forms L1257P.
Identifiers: ClinVar variation 1359982 (VCV001359982.6), dbSNP rs1470679979, ClinGen allele CA394224439.

ClinVar aggregate classification (germline): Uncertain significance (1 of 4 stars; one submission).

Conditions:
Saldino-Mainzer syndrome (SRTD9). Also called: CONORENAL SYNDROME; Renal dysplasia, retinal pigmentary dystrophy, cerebellar ataxia and skeletal dysplasia; SHORT-RIB THORACIC DYSPLASIA 9 WITHOUT POLYDACTYLY; short-rib thoracic dysplasia 9 with or without polydactyly. Identifiers: Orphanet 140969, MedGen C1849437, MONDO:0009964, OMIM 266920.

gnomAD v4.1: 3 of 1,614,222 alleles (0.00019%); highest among the groups gnomAD compares: Admixed American, 0.005%; no homozygotes.

Submission:

Labcorp Genetics (formerly Invitae), Labcorp
Classification: Uncertain significance for Saldino-Mainzer syndrome. Last evaluated: 2023-07-25. Review status: criteria provided, single submitter. Criteria: Invitae Variant Classification Sherloc (09022015). Collection method: clinical testing. Allele origin: germline.
Comment: This variant is present in population databases (no rsID available, gnomAD 0.006%). In summary, the available evidence is currently insufficient to determine the role of this variant in disease. Therefore, it has been classified as a Variant of Uncertain Significance. Advanced modeling of protein sequence and biophysical properties (such as structural, functional, and spatial information, amino acid conservation, physicochemical variation, residue mobility, and thermodynamic stability) has been performed at Invitae for this missense variant, however the output from this modeling did not meet the statistical confidence thresholds required to predict the impact of this variant on IFT140 protein function. ClinVar contains an entry for this variant (Variation ID: 1359982). This variant has not been reported in the literature in individuals affected with IFT140-related conditions. This sequence change replaces leucine, which is neutral and non-polar, with proline, which is neutral and non-polar, at codon 1257 of the IFT140 protein (p.Leu1257Pro).